The following is an entry in ClinVar:

NM_001009944.3(PKD1):c.7765C>T (p.His2589Tyr)

Gene: PKD1 (polycystin 1, transient receptor potential channel interacting; minus strand). Cytogenetic location: 16p13.3.
Variant type: single nucleotide variant.
Coding change: c.7765C>T on transcript NM_001009944.3 (MANE Select); coding-DNA position 7765, C replaced by T.
Protein change: p.His2589Tyr; replaces histidine 2589 with tyrosine.
Molecular consequence: missense variant.
Genome position (GRCh38, 1-based): chr16:2,105,963, G>A on the plus strand (C>T on the coding strand, the complement: PKD1 is on the minus strand). VCF-style: chr16-2105963-G-A. GRCh37 (hg19) VCF-style: chr16-2155964-G-A.
Other names: c.7765C>T, p.His2589Tyr (NM_000296.4); short protein forms H2589Y.
Identifiers: ClinVar variation 4982377 (VCV004982377.1).

ClinVar aggregate classification (germline): Uncertain significance (1 of 4 stars; one submission).

Conditions:
PKD1-related disorder. Also called: PKD1-related condition.

gnomAD v4.1: 4 of 1,600,518 alleles (0.00025%); highest among the groups gnomAD compares: Non-Finnish European, 0.00034%; no homozygotes.

Submission:

PreventionGenetics, part of Exact Sciences
Classification: Uncertain significance for PKD1-related condition. Last evaluated: 2025-07-08. Review status: criteria provided, single submitter. Criteria: ACMG Guidelines, 2015. Collection method: clinical testing. Allele origin: germline.
Comment: The PKD1 c.7765C>T variant is predicted to result in the amino acid substitution p.His2589Tyr. To our knowledge, this variant has not been reported in the literature or in a large population database (gnomAD), indicating this variant is rare. At this time, the clinical significance of this variant is uncertain due to the absence of conclusive functional and genetic evidence.